The following is an entry in ClinVar:

NM_016103.4(SAR1B):c.344T>C (p.Leu115Pro)

Gene: SAR1B (secretion associated Ras related GTPase 1B; minus strand). Cytogenetic location: 5q31.1.
Variant type: single nucleotide variant.
Coding change: c.344T>C on transcript NM_016103.4 (MANE Select); coding-DNA position 344, T replaced by C.
Protein change: p.Leu115Pro; replaces leucine 115 with proline.
Molecular consequence: missense variant.
Genome position (GRCh38, 1-based): chr5:134,609,575, A>G on the plus strand (T>C on the coding strand, the complement: SAR1B is on the minus strand). VCF-style: chr5-134609575-A-G. GRCh37 (hg19) VCF-style: chr5-133945265-A-G.
Other names: c.344T>C, p.Leu115Pro (NM_001033503.3); short protein forms L115P.
Identifiers: ClinVar variation 1162260 (VCV001162260.3), dbSNP rs2150050070, ClinGen allele CA361000316.

ClinVar aggregate classification (germline): Uncertain significance (1 of 4 stars; one submission).

Conditions:
Hereditary pancreatitis (PCTT). Also called: Hereditary chronic pancreatitis; PRSS1-Related Hereditary Pancreatitis. Identifiers: Orphanet 676, MedGen C0238339, MONDO:0008185, OMIM 167800.

Submission:

Neuberg Centre For Genomic Medicine, NCGM
Classification: Uncertain significance for Hereditary pancreatitis. Review status: criteria provided, single submitter. Criteria: ACMG Guidelines, 2015. Collection method: clinical testing. Allele origin: germline. Inheritance: Autosomal recessive inheritance. Affected: yes.
Comment: The missense variant p.L115P in SAR1B (NM_016103.3) has not been reported previously as a pathogenic variant nor as a benign variant, to our knowledge. The p.L115P variant is novel (not in any individuals) in gnomAD Exomes and is novel (not in any individuals) in 1000 Genomes. There is a moderate physicochemical difference between leucine and proline. The p.L115P missense variant is predicted to be damaging by both SIFT and PolyPhen2. The leucine residue at codon 115 of SAR1B is conserved in all mammalian species. The nucleotide c.344 in SAR1B is predicted conserved by GERP++ and PhyloP across 100 vertebrates. For these reasons, this variant has been classified as Uncertain Significance.

Literature cited by the submitters: PubMed 12692552.